The following is an entry in ClinVar:

ClinVar aggregate classification (germline): Uncertain significance. Review status: criteria provided, multiple submitters, no conflicts (2 of 4 stars). 3 submissions from 3 submitters: Uncertain significance (3). Last evaluated 2023-02-08.

Conditions:
Autosomal recessive limb-girdle muscular dystrophy type 2D (LGMDR3). Also called: DUCHENNE-LIKE AUTOSOMAL RECESSIVE MUSCULAR DYSTROPHY, TYPE 2; MUSCULAR DYSTROPHY, LIMB-GIRDLE, AUTOSOMAL RECESSIVE 3; ADHALINOPATHY, PRIMARY. Identifiers: Orphanet 62, MedGen C2936332, MONDO:0011968, OMIM 608099. Disease mechanism: Affects gamma-sarcoglycan and also disrupts the integrity of the entire sarcoglycan complex..

Allele frequency attached by ClinVar (database versions not stated): TOPMed 0.00001; ExAC 0.00002; gnomAD exomes 0.00002.
gnomAD v4.1: 12 of 1,613,072 alleles (0.00074%); highest among the groups gnomAD compares: Middle Eastern, 0.017%; no homozygotes.

Submissions (3):

Genome-Nilou Lab
Classification: Uncertain significance for Autosomal recessive limb-girdle muscular dystrophy type 2D. Last evaluated: 2023-02-08. Review status: criteria provided, single submitter. Criteria: ACMG Guidelines, 2015. Collection method: clinical testing. Allele origin: germline.

Labcorp Genetics (formerly Invitae), Labcorp
Classification: Uncertain significance for Autosomal recessive limb-girdle muscular dystrophy type 2D. Last evaluated: 2021-10-14. Review status: criteria provided, single submitter. Criteria: Invitae Variant Classification Sherloc (09022015). Collection method: clinical testing. Allele origin: germline.
Comment: This sequence change replaces arginine with glutamine at codon 370 of the SGCA protein (p.Arg370Gln). The arginine residue is moderately conserved and there is a small physicochemical difference between arginine and glutamine. This variant is present in population databases (rs779834721, ExAC 0.009%). This variant has not been reported in the literature in individuals affected with SGCA-related conditions. ClinVar contains an entry for this variant (Variation ID: 282905). Algorithms developed to predict the effect of missense changes on protein structure and function output the following: SIFT: "Tolerated"; PolyPhen-2: "Benign"; Align-GVGD: "Class C0". The glutamine amino acid residue is found in multiple mammalian species, which suggests that this missense change does not adversely affect protein function. In summary, the available evidence is currently insufficient to determine the role of this variant in disease. Therefore, it has been classified as a Variant of Uncertain Significance.

Eurofins Ntd Llc (ga)
Classification: Uncertain significance. Last evaluated: 2015-08-28. Review status: criteria provided, single submitter. Criteria: EGL Classification Definitions 2015. Collection method: clinical testing. Allele origin: germline. Observed: 1 variant allele, 1 heterozygote.

NM_000023.4(SGCA):c.1109G>A (p.Arg370Gln)

Gene: SGCA (sarcoglycan alpha; plus strand). Cytogenetic location: 17q21.33.
Variant type: single nucleotide variant.
Coding change: c.1109G>A on transcript NM_000023.4 (MANE Select); coding-DNA position 1109, G replaced by A.
Protein change: p.Arg370Gln; replaces arginine 370 with glutamine.
Molecular consequence: missense variant. On other transcripts: non-coding transcript variant (1).
Genome position (GRCh38, 1-based): chr17:50,175,382, G>A. VCF-style: chr17-50175382-G-A. GRCh37 (hg19) VCF-style: chr17-48252743-G-A.
Other names: c.737G>A, p.Arg246Gln (NM_001135697.3); short protein forms R370Q, R246Q.
Identifiers: ClinVar variation 282905 (VCV000282905.10), dbSNP rs779834721, ClinGen allele CA8644087.